The following is an entry in ClinVar:

ClinVar aggregate classification (germline): Uncertain significance (1 of 4 stars; one submission).

Conditions:
Joubert syndrome. Also called: JOUBERT-BOLTSHAUSER SYNDROME; Familial aplasia of the vermis. Identifiers: Orphanet 475, MedGen C5979921, MONDO:0018772.
Meckel-Gruber syndrome. Also called: DYSENCEPHALIA SPLANCHNOCYSTICA; GRUBER SYNDROME; Dysencephalia splachnocystica. Identifiers: Orphanet 564, MedGen C0265215, MONDO:0018921.

Allele frequency attached by ClinVar (database versions not stated): gnomAD exomes below 0.00001.
gnomAD v4.1: 2 of 1,551,444 alleles (0.00013%); highest among the groups gnomAD compares: Non-Finnish European, 0.00017%; no homozygotes.

Submission:

Labcorp Genetics (formerly Invitae), Labcorp
Classification: Uncertain significance for Joubert syndrome; Meckel-Gruber syndrome. Last evaluated: 2022-07-21. Review status: criteria provided, single submitter. Criteria: Invitae Variant Classification Sherloc (09022015). Collection method: clinical testing. Allele origin: germline.
Comment: In summary, the available evidence is currently insufficient to determine the role of this variant in disease. Therefore, it has been classified as a Variant of Uncertain Significance. Advanced modeling of protein sequence and biophysical properties (such as structural, functional, and spatial information, amino acid conservation, physicochemical variation, residue mobility, and thermodynamic stability) performed at Invitae indicates that this missense variant is expected to disrupt CC2D2A protein function. This variant has not been reported in the literature in individuals affected with CC2D2A-related conditions. This variant is not present in population databases (gnomAD no frequency). This sequence change replaces glutamic acid, which is acidic and polar, with lysine, which is basic and polar, at codon 1217 of the CC2D2A protein (p.Glu1217Lys).

NM_001378615.1(CC2D2A):c.3649G>A (p.Glu1217Lys)

Genes: CC2D2A (coiled-coil and C2 domain containing 2A; plus strand), FBXL5 (F-box and leucine rich repeat protein 5; minus strand). Cytogenetic location: 4p15.32.
Variant type: single nucleotide variant.
Coding change: c.3649G>A on transcript NM_001378615.1 (MANE Select); coding-DNA position 3649, G replaced by A.
Protein change: p.Glu1217Lys; replaces glutamic acid 1217 with lysine.
Molecular consequence: missense variant.
Genome position (GRCh38, 1-based): chr4:15,574,204, G>A. VCF-style: chr4-15574204-G-A. GRCh37 (hg19) VCF-style: chr4-15575827-G-A.
Other names: c.3502G>A, p.Glu1168Lys (NM_001378617.1); c.3649G>A, p.Glu1217Lys (NM_001080522.2); short protein forms E1168K, E1217K.
Identifiers: ClinVar variation 2008676 (VCV002008676.4), dbSNP rs2475092958, ClinGen allele CA356423696.
Genomic context (GRCh38, chr4:15,574,204, plus strand): 5'-TCACAGATTGATGGAACATTTAAAATAGATATTCCCCCAGTTCTTCTGGGCTACAGTAAG[G>A]AGCGAAATATGATTCTTGAGCGGGGTTTTGATTCTGTCCGAAGCTTAAGTGAAGGCTCCT-3'
Protein context (NP_001365544.1, residues 1207-1227): IPPVLLGYSK[Glu1217Lys]RNMILERGFD